The following is an entry in ClinVar:

ClinVar aggregate classification (germline): Conflicting classifications of pathogenicity. Review status: criteria provided, conflicting classifications (1 of 4 stars). 2 submissions from 2 submitters: Uncertain significance (1); Likely benign (1). Last evaluated 2024-09-09.

Conditions:
Cardiovascular phenotype. Identifiers: MedGen CN230736.
Distal myopathy with posterior leg and anterior hand involvement. Also called: WILLIAMS DISTAL MYOPATHY. Identifiers: Orphanet 63273, MedGen C3279722, MONDO:0013550, OMIM 614065.
Hypertrophic cardiomyopathy 26. Also called: Cardiomyopathy, familial hypertrophic, 26. Identifiers: Orphanet 75249, MedGen C4310749, MONDO:0014883, OMIM 617047.
Myofibrillar myopathy 5. Also called: FILAMINOPATHY, AUTOSOMAL DOMINANT; Filaminopathy (type). Identifiers: Orphanet 171445, MedGen C1836050, MONDO:0012289, OMIM 609524.

Allele frequency attached by ClinVar (database versions not stated): TOPMed 0.00001.

Submissions (2):

Labcorp Genetics (formerly Invitae), Labcorp
Classification: Uncertain significance for Distal myopathy with posterior leg and anterior hand involvement; Myofibrillar myopathy 5; Hypertrophic cardiomyopathy 26. Last evaluated: 2024-09-09. Review status: criteria provided, single submitter. Criteria: Invitae Variant Classification Sherloc (09022015). Collection method: clinical testing. Allele origin: germline.
Comment: This sequence change replaces glycine, which is neutral and non-polar, with aspartic acid, which is acidic and polar, at codon 6 of the FLNC protein (p.Gly6Asp). This variant is not present in population databases (gnomAD no frequency). This variant has not been reported in the literature in individuals affected with FLNC-related conditions. An algorithm developed to predict the effect of missense changes on protein structure and function (PolyPhen-2) suggests that this variant is likely to be tolerated. In summary, the available evidence is currently insufficient to determine the role of this variant in disease. Therefore, it has been classified as a Variant of Uncertain Significance.

Ambry Genetics
Classification: Likely benign for Cardiovascular phenotype. Last evaluated: 2023-11-19. Review status: criteria provided, single submitter. Criteria: Ambry Variant Classification Scheme 2023. Collection method: clinical testing. Allele origin: germline.

NM_001458.5(FLNC):c.17G>A (p.Gly6Asp)

Gene: FLNC (filamin C; plus strand). Cytogenetic location: 7q32.1.
Variant type: single nucleotide variant.
Coding change: c.17G>A on transcript NM_001458.5 (MANE Select); coding-DNA position 17, G replaced by A.
Protein change: p.Gly6Asp; replaces glycine 6 with aspartic acid.
Molecular consequence: missense variant.
Genome position (GRCh38, 1-based): chr7:128,830,654, G>A. VCF-style: chr7-128830654-G-A. GRCh37 (hg19) VCF-style: chr7-128470708-G-A.
Other names: c.17G>A, p.Gly6Asp (NM_001127487.2); short protein forms G6D.
Identifiers: ClinVar variation 3221704 (VCV003221704.3), dbSNP rs1234560249, ClinGen allele CA369215407.